The following is an entry in ClinVar:

ClinVar aggregate classification (germline): Uncertain significance (1 of 4 stars; one submission).

Conditions:
EP300-related disorder. Also called: EP300-related disorders; EP300-related condition.

Allele frequency attached by ClinVar (database versions not stated): gnomAD exomes below 0.00001.
gnomAD v4.1: 6 of 1,613,908 alleles (0.00037%); highest among the groups gnomAD compares: Non-Finnish European, 0.00051%; no homozygotes.

Submission:

PreventionGenetics, part of Exact Sciences
Classification: Uncertain significance for EP300-related condition. Last evaluated: 2025-09-15. Review status: criteria provided, single submitter. Criteria: ACMG Guidelines, 2015. Collection method: clinical testing. Allele origin: germline.
Comment: The EP300 c.1287T>G variant is predicted to result in the amino acid substitution p.Ile429Met. To our knowledge, this variant has not been reported in the literature or in a large population database (gnomAD), indicating this variant is rare. At this time, the clinical significance of this variant is uncertain due to the absence of conclusive functional and genetic evidence.

NM_001429.4(EP300):c.1287T>G (p.Ile429Met)

Gene: EP300 (EP300 lysine acetyltransferase; plus strand). Cytogenetic location: 22q13.2.
Variant type: single nucleotide variant.
Coding change: c.1287T>G on transcript NM_001429.4 (MANE Select); coding-DNA position 1287, T replaced by G.
Protein change: p.Ile429Met; replaces isoleucine 429 with methionine.
Molecular consequence: missense variant.
Genome position (GRCh38, 1-based): chr22:41,131,392, T>G. VCF-style: chr22-41131392-T-G. GRCh37 (hg19) VCF-style: chr22-41527396-T-G.
Other names: c.1287T>G, p.Ile429Met (NM_001362843.2); short protein forms I429M.
Identifiers: ClinVar variation 2637407 (VCV002637407.2), dbSNP rs2518134536, ClinGen allele CA411685393.